The following is an entry in ClinVar:

NM_001190274.2(FBXO11):c.2563A>G (p.Thr855Ala)

Genes: FBXO11 (F-box protein 11; minus strand), MSH6 (mutS homolog 6; plus strand). Cytogenetic location: 2p16.3.
Variant type: single nucleotide variant.
Coding change: c.2563A>G on transcript NM_001190274.2 (MANE Select); coding-DNA position 2563, A replaced by G.
Protein change: p.Thr855Ala; replaces threonine 855 with alanine.
Molecular consequence: missense variant.
Genome position (GRCh38, 1-based): chr2:47,808,420, T>C on the plus strand (A>G on the coding strand, the complement: FBXO11 is on the minus strand). VCF-style: chr2-47808420-T-C. GRCh37 (hg19) VCF-style: chr2-48035559-T-C.
Other names: c.2311A>G, p.Thr771Ala (NM_001374325.1, NM_025133.4); short protein forms T771A, T855A.
Identifiers: ClinVar variation 1804599 (VCV001804599.2), dbSNP rs2530941576, ClinGen allele CA346762313.
Genomic context (GRCh38, chr2:47,808,420, plus strand): 5'-CCTGATGGCACTTCTTAATGCAGTTCACACATATGGCATTTCGATCTGTGGTGTTACAAG[T>C]ATGACATCTAAAAAGCAAAAGCTTAAATTACTTTTCTCAAACATGTCATTAATGCAAAAC-3'
Protein context (NP_001177203.1, residues 845-865): YPMHDFYRCH[Thr855Ala]CNTTDRNAIC

ClinVar aggregate classification (germline): Uncertain significance (1 of 4 stars; one submission).

Submission:

GeneDx
Classification: Uncertain significance. Last evaluated: 2024-08-29. Review status: criteria provided, single submitter. Criteria: GeneDx Variant Classification Process June 2021. Collection method: clinical testing. Allele origin: germline.
Comment: Not observed at significant frequency in large population cohorts (gnomAD); In silico analysis supports that this missense variant has a deleterious effect on protein structure/function; Has not been previously published as pathogenic or benign to our knowledge